The following is an entry in ClinVar:

NM_001060.6(TBXA2R):c.454_493del (p.Thr152fs)

Gene: TBXA2R (thromboxane A2 receptor; minus strand). Cytogenetic location: 19p13.3.
Variant type: Deletion.
Coding change: c.454_493del on transcript NM_001060.6 (MANE Select); coding-DNA positions 454 to 493, 40 bases deleted.
Protein change: p.Thr152fs; shifts the reading frame from threonine 152.
Molecular consequence: frameshift variant.
Genome position (GRCh38, 1-based): chr19:3,600,142-3,600,181, 40 bases deleted; deleting any 40 consecutive bases within chr19:3,600,142-3,600,188 gives the same sequence; the c. name uses the placement nearest the transcript's 3' end. GRCh37 (hg19): chr19:3,600,147-3,600,186.
Other names: c.454_493del, p.Thr152fs (NM_201636.3); short protein forms T152fs.
Identifiers: ClinVar variation 4729689 (VCV004729689.1).

ClinVar aggregate classification (germline): Uncertain significance (1 of 4 stars; one submission).

Submission:

Labcorp Genetics (formerly Invitae), Labcorp
Classification: Uncertain significance. Last evaluated: 2025-10-23. Review status: criteria provided, single submitter. Criteria: Invitae Variant Classification Sherloc (09022015). Collection method: clinical testing. Allele origin: germline.
Comment: This sequence change creates a premature translational stop signal (p.Thr152Cysfs*21) in the TBXA2R gene. It is expected to result in an absent or disrupted protein product. However, the current clinical and genetic evidence is not sufficient to establish whether loss-of-function variants in TBXA2R cause disease. This variant is not present in population databases (gnomAD no frequency). This variant has not been reported in the literature in individuals affected with TBXA2R-related conditions. Experimental studies and prediction algorithms are not available or were not evaluated, and the functional significance of this variant is currently unknown. In summary, the available evidence is currently insufficient to determine the role of this variant in disease. Therefore, it has been classified as a Variant of Uncertain Significance.